The following is an entry in ClinVar:

NM_022356.4(P3H1):c.1205_1206del (p.Arg402fs)

Gene: P3H1 (prolyl 3-hydroxylase 1; minus strand). Cytogenetic location: 1p34.2.
Variant type: Microsatellite.
Coding change: c.1205_1206del on transcript NM_022356.4 (MANE Select); coding-DNA positions 1205 to 1206, 2 bases deleted (GA; older notation c.1205_1206delGA).
Protein change: p.Arg402fs; shifts the reading frame from arginine 402.
Molecular consequence: frameshift variant.
Genome position (GRCh38, 1-based): chr1:42,755,182-42,755,183, TC deleted on the plus strand (GA on the coding strand, the reverse complement: P3H1 is on the minus strand); deleting any 2 consecutive bases within chr1:42,755,182-42,755,186 gives the same sequence; the c. name uses the placement nearest the transcript's 3' end. VCF-style (leftmost placement, unchanged base first): chr1-42755181-ATC-A. GRCh37 (hg19) VCF-style: chr1-43220852-ATC-A.
Other names: c.1205_1206del, p.Arg402fs (NM_001146289.2, NM_001243246.2); short protein forms R402fs.
Identifiers: ClinVar variation 2959189 (VCV002959189.3), dbSNP rs2524452224, ClinGen allele CA2740090642.

ClinVar aggregate classification (germline): Pathogenic (1 of 4 stars; one submission).

Conditions:
Osteogenesis imperfecta type 8 (OI8). Identifiers: MedGen C1970458, MONDO:0012581, OMIM 610915.

Submission:

Labcorp Genetics (formerly Invitae), Labcorp
Classification: Pathogenic for Osteogenesis imperfecta type 8. Last evaluated: 2024-01-19. Review status: criteria provided, single submitter. Criteria: Invitae Variant Classification Sherloc (09022015). Collection method: clinical testing. Allele origin: germline.
Comment: This sequence change creates a premature translational stop signal (p.Arg402Ilefs*53) in the P3H1 gene. It is expected to result in an absent or disrupted protein product. Loss-of-function variants in P3H1 are known to be pathogenic (PMID: 17277775, 18566967, 19088120, 22281939). This variant is not present in population databases (gnomAD no frequency). This variant has not been reported in the literature in individuals affected with P3H1-related conditions. For these reasons, this variant has been classified as Pathogenic.

Literature cited by the submitters: PubMed 17277775; PubMed 18566967; PubMed 19088120; PubMed 22281939.